The following is an entry in ClinVar:

ClinVar aggregate classification (germline): Uncertain significance (1 of 4 stars; one submission).

Conditions:
Hereditary cancer-predisposing syndrome. Also called: Tumor predisposition; Neoplastic Syndromes, Hereditary; Hereditary Cancer Syndrome; Hereditary neoplastic syndrome. Identifiers: Orphanet 140162, MedGen C0027672, MeSH D009386, MONDO:0015356.

gnomAD v4.1: 3 of 1,614,168 alleles (0.00019%); highest among the groups gnomAD compares: Non-Finnish European, 0.00025%; no homozygotes.

Submission:

Ambry Genetics
Classification: Uncertain significance for Hereditary cancer-predisposing syndrome. Last evaluated: 2024-12-25. Review status: criteria provided, single submitter. Criteria: Ambry Variant Classification Scheme 2023. Collection method: clinical testing. Allele origin: germline.
Comment: The p.L403R variant (also known as c.1208T>G), located in coding exon 4 of the MSH6 gene, results from a T to G substitution at nucleotide position 1208. The leucine at codon 403 is replaced by arginine, an amino acid with dissimilar properties. This amino acid position is conserved. In addition, this alteration is predicted to be deleterious by in silico analysis. Based on the available evidence, the clinical significance of this variant remains unclear.

NM_000179.3(MSH6):c.1208T>G (p.Leu403Arg)

Gene: MSH6 (mutS homolog 6; plus strand). Cytogenetic location: 2p16.3.
Variant type: single nucleotide variant.
Coding change: c.1208T>G on transcript NM_000179.3 (MANE Select); coding-DNA position 1208, T replaced by G.
Protein change: p.Leu403Arg; replaces leucine 403 with arginine.
Molecular consequence: missense variant. On other transcripts: non-coding transcript variant (4), intron variant (1).
Genome position (GRCh38, 1-based): chr2:47,799,191, T>G. VCF-style: chr2-47799191-T-G. GRCh37 (hg19) VCF-style: chr2-48026330-T-G.
Other names: c.818T>G, p.Leu273Arg (NM_001281492.2); c.302T>G, p.Leu101Arg (NM_001281493.2, NM_001281494.2, NM_001406811.1 and 6 more transcripts); c.1304T>G, p.Leu435Arg (NM_001406795.1, NM_001406802.1); c.1208T>G, p.Leu403Arg (NM_001406796.1, NM_001406798.1, NM_001406800.1 and 4 more transcripts); c.911T>G, p.Leu304Arg (NM_001406797.1, NM_001406801.1, NM_001406805.1 and 10 more transcripts); c.683T>G, p.Leu228Arg (NM_001406799.1, NM_001406806.1, NM_001406807.1); c.1130T>G, p.Leu377Arg (NM_001406804.1); c.1214T>G, p.Leu405Arg (NM_001406813.1); and 2 more; short protein forms L377R, L405R, L304R, L347R, L403R, L435R, L101R, L228R.
Identifiers: ClinVar variation 3875061 (VCV003875061.1).